The following is an entry in ClinVar:

NM_001354604.2(MITF):c.895A>T (p.Thr299Ser)

Gene: MITF (melanocyte inducing transcription factor; plus strand). Cytogenetic location: 3p13.
Variant type: single nucleotide variant.
Coding change: c.895A>T on transcript NM_001354604.2 (MANE Select); coding-DNA position 895, A replaced by T.
Protein change: p.Thr299Ser; replaces threonine 299 with serine.
Molecular consequence: missense variant. On other transcripts: intron variant (9).
Genome position (GRCh38, 1-based): chr3:69,951,826, A>T. VCF-style: chr3-69951826-A-T. GRCh37 (hg19) VCF-style: chr3-70000977-A-T.
Other names: c.574A>T, p.Thr192Ser (NM_000248.4); c.892A>T, p.Thr298Ser (NM_001354605.2); c.830-4A>T (NM_001354607.2); c.725-4A>T (NM_001354608.2, NM_001184967.2); c.881-4A>T (NM_198159.3); c.878-4A>T (NM_001354606.2, NM_006722.3); c.833-4A>T (NM_198177.3); c.560-4A>T (NM_198158.3); and 1 more; short protein forms T192S, T298S, T299S.
Identifiers: ClinVar variation 3343700 (VCV003343700.1).

ClinVar aggregate classification (germline): Uncertain significance (1 of 4 stars; one submission).

Submission:

GeneDx
Classification: Uncertain significance. Last evaluated: 2023-05-23. Review status: criteria provided, single submitter. Criteria: GeneDx Variant Classification Process June 2021. Collection method: clinical testing. Allele origin: germline. Affected: yes.
Comment: Not observed at significant frequency in large population cohorts (gnomAD); In silico analysis supports that this missense variant does not alter protein structure/function; Has not been previously published as pathogenic or benign to our knowledge